The following is an entry in ClinVar:

ClinVar aggregate classification (germline): Likely pathogenic (1 of 4 stars; one submission).

Submission:

Dasa
Classification: Likely pathogenic. Last evaluated: 2025-05-21. Review status: criteria provided, single submitter. Criteria: DASA Assertion Criteria. Collection method: clinical testing. Allele origin: germline.
Comment: NM_018979.4(WNK1):c.876del (p.Gly293Glufs*8) is a frameshift variant in WNK1 predicted to alter the reading frame and introduce a premature termination codon and is predicted to result in an absent or altered protein product. Loss of function is an established disease mechanism for WNK1-associated disorders. Also, this variant is absent from population databases. Based on the currently available evidence, this variant is classified as likely pathogenic.

NM_018979.4(WNK1):c.876del (p.Gly293fs)

Gene: WNK1 (WNK lysine deficient protein kinase 1; plus strand). Cytogenetic location: 12p13.33.
Variant type: Deletion.
Coding change: c.876del on transcript NM_018979.4 (MANE Select); coding-DNA position 876, one base deleted (A; older notation c.876delA).
Protein change: p.Gly293fs; shifts the reading frame from glycine 293.
Molecular consequence: frameshift variant.
Genome position (GRCh38, 1-based): chr12:813,758, A deleted; the last of 4 consecutive A bases (chr12:813,755-813,758); deleting any one gives the same sequence. VCF-style (leftmost placement, unchanged base first): chr12-813754-TA-T. GRCh37 (hg19) VCF-style: chr12-922920-TA-T.
Other names: c.876del, p.Gly293fs (NM_001184985.2, NM_014823.3, NM_213655.5); short protein forms G293fs.
Identifiers: ClinVar variation 4883276 (VCV004883276.2).
Genomic context (GRCh38, chr12:813,754, plus strand): 5'-TGTTAAAAGGTCTTCAGCATCCCAATATTGTTAGATTTTATGATTCCTGGGAATCCACAG[TA>T]AAAGGAAAGAAGTGCATTGTTTTGGTGACTGAACTTATGACGTCTGGAACACTTAAAACG-3'